The following is an entry in ClinVar:

ClinVar aggregate classification (germline): Uncertain significance (1 of 4 stars; one submission).

Submission:

Ambry Genetics
Classification: Uncertain significance. Last evaluated: 2021-10-29. Review status: criteria provided, single submitter. Criteria: Ambry Variant Classification Scheme 2023. Collection method: clinical testing. Allele origin: germline.
Comment: The p.I833V variant (also known as c.2497A>G), located in coding exon 17 of the CTNNA3 gene, results from an A to G substitution at nucleotide position 2497. The isoleucine at codon 833 is replaced by valine, an amino acid with highly similar properties. This amino acid position is conserved. In addition, this alteration is predicted to be tolerated by in silico analysis. Since supporting evidence is limited at this time, the clinical significance of this alteration remains unclear.

NM_013266.4(CTNNA3):c.2497A>G (p.Ile833Val)

Gene: CTNNA3 (catenin alpha 3; minus strand). Cytogenetic location: 10q21.3.
Variant type: single nucleotide variant.
Coding change: c.2497A>G on transcript NM_013266.4 (MANE Select); coding-DNA position 2497, A replaced by G.
Protein change: p.Ile833Val; replaces isoleucine 833 with valine.
Molecular consequence: missense variant.
Genome position (GRCh38, 1-based): chr10:65,920,521, T>C on the plus strand (A>G on the coding strand, the complement: CTNNA3 is on the minus strand). VCF-style: chr10-65920521-T-C. GRCh37 (hg19) VCF-style: chr10-67680279-T-C.
Other names: c.2497A>G, p.Ile833Val (NM_001127384.3); short protein forms I833V.
Identifiers: ClinVar variation 1792140 (VCV001792140.2), dbSNP rs2492368098, ClinGen allele CA377088982.